The following is an entry in ClinVar:

NM_000019.4(ACAT1):c.1040T>C (p.Ile347Thr)

Gene: ACAT1 (acetyl-CoA acetyltransferase 1; plus strand). Cytogenetic location: 11q22.3.
Variant type: single nucleotide variant.
Coding change: c.1040T>C on transcript NM_000019.4 (MANE Select); coding-DNA position 1040, T replaced by C.
Protein change: p.Ile347Thr; replaces isoleucine 347 with threonine.
Molecular consequence: missense variant.
Genome position (GRCh38, 1-based): chr11:108,146,236, T>C. VCF-style: chr11-108146236-T-C. GRCh37 (hg19) VCF-style: chr11-108016963-T-C.
Other names: short protein forms I347T.
Identifiers: ClinVar variation 666524 (VCV000666524.9), dbSNP rs1338023969, ClinGen allele CA382508404.
Genomic context (GRCh38, chr11:108,146,236, plus strand): 5'-ATCATCTGTCTTTTAAAAAATTTAAGGTTCTTAAAGATGTGGGATTGAAAAAAGAAGATA[T>C]TGCAATGTGGGAAGTAAATGAAGCCTTTAGTCTGGTTGTACTAGCAAACATTAAAATGTT-3'
Protein context (NP_000010.1, residues 337-357): LKDVGLKKED[Ile347Thr]AMWEVNEAFS

ClinVar aggregate classification (germline): Pathogenic/Likely pathogenic. Review status: criteria provided, multiple submitters, no conflicts (2 of 4 stars). 4 submissions from 4 submitters: Pathogenic (1); Likely pathogenic (3). Last evaluated 2026-01-20.

Conditions:
ACAT1-related disorder. Also called: ACAT1-related condition.
Deficiency of acetyl-CoA acetyltransferase. Also called: MITOCHONDRIAL ACETOACETYL-CoA THIOLASE DEFICIENCY; Beta-ketothiolase deficiency; 3-KETOTHIOLASE DEFICIENCY; 3-OXOTHIOLASE DEFICIENCY. Identifiers: Orphanet 134, MedGen C1536500, MONDO:0008760, OMIM 203750. Disease mechanism: loss of function.

Allele frequency attached by ClinVar (database versions not stated): gnomAD below 0.00001 and 0.00001; gnomAD exomes below 0.00001.
gnomAD v4.1: 5 of 1,613,404 alleles (0.00031%); highest among the groups gnomAD compares: Admixed American, 0.0017%; no homozygotes.

Submissions (4):

Natera, Inc.
Classification: Likely pathogenic for Alpha-methylacetoacetic aciduria. Last evaluated: 2026-01-20. Review status: criteria provided, single submitter. Criteria: Natera Variant Classification Schema (03/2026). Collection method: clinical testing. Allele origin: germline.
Comment: The c.1040T>C variant in ACAT1 is a missense variant predicted to cause substitution of isoleucine to threonine at amino acid 347. This variant is rare in the general population with a frequency below the threshold expected for the associated phenotype(s). This variant has been observed in one or more individuals affected with the associated recessive disease, as either homozygous or compound heterozygous with a second variant (PMID: 15877211, 28689740). This variant has been identified in one or more affected individual with a phenotype highly consistent with the associated gene (PMID: 15877211). Computational prediction algorithms indicate this variant is likely to affect gene or protein function. Given the available evidence, this variant is classified as Likely Pathogenic.

Labcorp Genetics (formerly Invitae), Labcorp
Classification: Pathogenic for Deficiency of acetyl-CoA acetyltransferase. Last evaluated: 2024-03-07. Review status: criteria provided, single submitter. Criteria: Invitae Variant Classification Sherloc (09022015). Collection method: clinical testing. Allele origin: germline.
Comment: This sequence change replaces isoleucine, which is neutral and non-polar, with threonine, which is neutral and polar, at codon 347 of the ACAT1 protein (p.Ile347Thr). This variant is present in population databases (no rsID available, gnomAD 0.003%). This missense change has been observed in individual(s) with beta-ketothiolase deficiency (PMID: 15877211, 28689740). In at least one individual the data is consistent with being in trans (on the opposite chromosome) from a pathogenic variant. ClinVar contains an entry for this variant (Variation ID: 666524). Advanced modeling of protein sequence and biophysical properties (such as structural, functional, and spatial information, amino acid conservation, physicochemical variation, residue mobility, and thermodynamic stability) has been performed at Invitae for this missense variant, however the output from this modeling did not meet the statistical confidence thresholds required to predict the impact of this variant on ACAT1 protein function. Experimental studies have shown that this missense change affects ACAT1 function (PMID: 15877211). For these reasons, this variant has been classified as Pathogenic.

Blueprint Genetics
Classification: Likely pathogenic for ACAT1-related disorders. Last evaluated: 2022-09-16. Review status: criteria provided, single submitter. Criteria: ACMG Guidelines, 2015. Collection method: clinical testing. Allele origin: germline. Affected: yes. Observed: 4 variant alleles.

Department of Pediatrics, Gifu University
Classification: Likely pathogenic for Deficiency of acetyl-CoA acetyltransferase. Last evaluated: 2019-05-05. Review status: criteria provided, single submitter. Criteria: ACMG Guidelines, 2015. Collection method: research. Allele origin: germline. Affected: yes. Observed: 2 variant alleles.

Literature cited by the submitters: PubMed 15877211 (cited by Natera, Inc. and Labcorp Genetics (formerly Invitae), Labcorp); PubMed 28689740 (cited by Natera, Inc. and Labcorp Genetics (formerly Invitae), Labcorp); PubMed 31268215 (cited by Department of Pediatrics, Gifu University).